The following is an entry in ClinVar:

ClinVar aggregate classification (germline): Conflicting classifications of pathogenicity. Review status: criteria provided, conflicting classifications (1 of 4 stars). 10 submissions from 6 submitters: Uncertain significance (8); Benign (2). Last evaluated 2026-09-10.

Conditions:
TTN-related disorder. Also called: TTN-related condition; TTN-related disease; TTN-related disorders.
Dilated cardiomyopathy 1G (CMD1G). Identifiers: Orphanet 154, MedGen C1858763, MONDO:0011400, OMIM 604145.
Autosomal recessive limb-girdle muscular dystrophy type 2J (LGMDR10). Also called: Limb-girdle muscular dystrophy, type 2J; MUSCULAR DYSTROPHY, LIMB-GIRDLE, AUTOSOMAL RECESSIVE 10. Identifiers: Orphanet 140922, MedGen C1837342, MONDO:0012127, OMIM 608807.
Cardiovascular phenotype. Identifiers: MedGen CN230736.
Myopathy, myofibrillar, 9, with early respiratory failure (MFM9). Also called: Hereditary myopathy with early respiratory failure; EDSTROM MYOPATHY; MYOPATHY, PROXIMAL, WITH EARLY RESPIRATORY MUSCLE INVOLVEMENT; Myopathy, distal, with early respiratory failure, autosomal dominant. Identifiers: Orphanet 178464, Orphanet 34521, MedGen C1863599, MONDO:0011362, OMIM 603689.
Tibial muscular dystrophy (TMD). Also called: Udd Distal Myopathy – Tibial Muscular Dystrophy; UDD MYOPATHY; Tibial muscular dystrophy, tardive. Identifiers: Orphanet 609, MedGen C1838244, MONDO:0010870, OMIM 600334.
Early-onset myopathy with fatal cardiomyopathy (CMYO5). Also called: CONGENITAL MYOPATHY 5 WITH CARDIOMYOPATHY; Salih Myopathy. Identifiers: Orphanet 289377, MedGen C2673677, MONDO:0012714, OMIM 611705. Disease mechanism: loss of function.

Allele frequency attached by ClinVar (database versions not stated): gnomAD 0.00003; TOPMed 0.00005; ESP Exome Variant Server 0.00008.
gnomAD v4.1: 55 of 1,613,594 alleles (0.0034%); highest among the groups gnomAD compares: Non-Finnish European, 0.0035%; no homozygotes.

Submissions (10):

PreventionGenetics, part of Exact Sciences
Classification: Uncertain significance for TTN-related condition. Last evaluated: 2026-09-10. Review status: criteria provided, single submitter. Criteria: ACMG Guidelines, 2015. Collection method: clinical testing. Allele origin: germline.
Comment: The TTN c.86654G>A variant is predicted to result in the amino acid substitution p.Arg28885His. To our knowledge, this variant has not been reported in the literature in individuals with TTN-related disorders. This variant is reported in 0.029% of alleles in individuals of Ashkenazi Jewish descent in gnomAD. At this time, the clinical significance of this variant is uncertain due to the absence of conclusive functional and genetic evidence.

Mayo Clinic Laboratories, Mayo Clinic
Classification: Uncertain significance. Last evaluated: 2024-05-10. Review status: criteria provided, single submitter. Criteria: ACMG Guidelines, 2015. Collection method: clinical testing. Allele origin: germline. Observed: 1 variant allele.

Ambry Genetics
Classification: Uncertain significance for Cardiovascular phenotype. Last evaluated: 2019-10-19. Review status: criteria provided, single submitter. Criteria: Ambry Variant Classification Scheme 2023. Collection method: clinical testing. Allele origin: germline.
Comment: The p.R19820H variant (also known as c.59459G>A), located in coding exon 153 of the TTN gene, results from a G to A substitution at nucleotide position 59459. The arginine at codon 19820 is replaced by histidine, an amino acid with highly similar properties. This amino acid position is highly conserved in available vertebrate species. In addition, this alteration is predicted to be tolerated by in silico analysis. Since supporting evidence is limited at this time, the clinical significance of this alteration remains unclear.

Illumina Laboratory Services, Illumina
Classification: Benign for Tibial muscular dystrophy. Last evaluated: 2017-08-16. Review status: criteria provided, single submitter. Criteria: ICSL Variant Classification Criteria 13 December 2019. Collection method: clinical testing. Allele origin: germline.
Comment: This variant was observed as part of a predisposition screen in an ostensibly healthy population. A literature search was performed for the gene, cDNA change, and amino acid change (where applicable). No publications were found based on this search. Allele frequency data from public databases was too high to be consistent with this variant causing disease. Therefore, this variant is classified as benign.

Illumina Laboratory Services, Illumina
Classification: Benign for Myopathy, myofibrillar, 9, with early respiratory failure. Last evaluated: 2017-08-16. Review status: criteria provided, single submitter. Criteria: ICSL Variant Classification Criteria 13 December 2019. Collection method: clinical testing. Allele origin: germline.
Comment: the same text as in the submission from Illumina Laboratory Services, Illumina above.

Illumina Laboratory Services, Illumina
Classification: Uncertain significance for Dilated cardiomyopathy 1G. Last evaluated: 2017-04-27. Review status: criteria provided, single submitter. Criteria: ICSL Variant Classification Criteria 13 December 2019. Collection method: clinical testing. Allele origin: germline.

Illumina Laboratory Services, Illumina
Classification: Uncertain significance for Early-onset myopathy with fatal cardiomyopathy. Last evaluated: 2017-04-27. Review status: criteria provided, single submitter. Criteria: ICSL Variant Classification Criteria 13 December 2019. Collection method: clinical testing. Allele origin: germline.

Illumina Laboratory Services, Illumina
Classification: Uncertain significance for Autosomal recessive limb-girdle muscular dystrophy type 2J. Last evaluated: 2017-04-27. Review status: criteria provided, single submitter. Criteria: ICSL Variant Classification Criteria 13 December 2019. Collection method: clinical testing. Allele origin: germline.

Labcorp Genetics (formerly Invitae), Labcorp
Classification: Uncertain significance for Dilated cardiomyopathy 1G; Autosomal recessive limb-girdle muscular dystrophy type 2J. Last evaluated: 2016-02-22. Review status: criteria provided, single submitter. Criteria: Invitae Variant Classification Sherloc (09022015). Collection method: clinical testing. Allele origin: germline.

Biesecker Lab/Clinical Genomics Section, National Institutes of Health
Classification: Uncertain significance. Last evaluated: 2013-06-24. Review status: criteria provided, single submitter. Criteria: Ng et al. (Circ Cardiovasc Genet. 2013). Collection method: research. Allele origin: unknown. Observed: 1 variant allele. Study: ClinSeq.
Comment: The study set was not selected for affection status in relation to any cancer. Pathogenicity categories were based on literature curation. See Pubmed ID:23861362 for details.

Medical sequencing

NM_001267550.2(TTN):c.86654G>A (p.Arg28885His)

Genes: TTN-AS1 (TTN antisense RNA 1; plus strand), TTN (titin; minus strand). Cytogenetic location: 2q31.2.
Variant type: single nucleotide variant.
Coding change: c.86654G>A on transcript NM_001267550.2 (MANE Select); coding-DNA position 86654, G replaced by A.
Protein change: p.Arg28885His; replaces arginine 28885 with histidine.
Molecular consequence: missense variant.
Genome position (GRCh38, 1-based): chr2:178,559,478, C>T on the plus strand (G>A on the coding strand, the complement: TTN is on the minus strand). VCF-style: chr2-178559478-C-T. GRCh37 (hg19) VCF-style: chr2-179424205-C-T.
Other names: p.Arg27244His; c.81731G>A, p.Arg27244His (NM_001256850.1); c.59459G>A, p.Arg19820His (NM_003319.4); c.78950G>A, p.Arg26317His (NM_133378.4); c.59834G>A, p.Arg19945His (NM_133432.3); c.60035G>A, p.Arg20012His (NM_133437.4); short protein forms R26317H, R28885H, R19820H, R19945H, R20012H, R27244H.
Identifiers: ClinVar variation 191868 (VCV000191868.11), dbSNP rs371539720, ClinGen allele CA237743.